The following is an entry in ClinVar:

ClinVar aggregate classification (germline): Benign (1 of 4 stars; one submission).

Conditions:
Rotor syndrome (HBLRR). Also called: HYPERBILIRUBINEMIA, ROTOR TYPE, DIGENIC; HYPERBILIRUBINEMIA, ROTOR TYPE. Identifiers: Orphanet 3111, MedGen C0220991, MONDO:0009379, OMIM 237450.

Allele frequency attached by ClinVar (database versions not stated): gnomAD 0.00009 and 0.00020; TOPMed 0.00017; gnomAD exomes 0.00032 and 0.00053; ExAC 0.00035; 1000 Genomes Project 30x 0.00062; 1000 Genomes Project 0.00080.
gnomAD v4.1: 749 of 1,562,392 alleles (0.048%); highest among the groups gnomAD compares: East Asian, 1.7%; 19 homozygotes.

Submission:

Illumina Laboratory Services, Illumina
Classification: Benign for Rotor syndrome. Last evaluated: 2017-04-27. Review status: criteria provided, single submitter. Criteria: ICSL Variant Classification Criteria 13 December 2019. Collection method: clinical testing. Allele origin: germline.
Comment: This variant was observed as part of a predisposition screen in an ostensibly healthy population. A literature search was performed for the gene, cDNA change, and amino acid change (where applicable). Publications were found based on this search. The evidence from the literature, in combination with allele frequency data from public databases where available, was sufficient to rule this variant out of causing disease. Therefore, this variant is classified as benign.

Literature cited by the submitters: PubMed 17989996; PubMed 17415554.

NM_006446.5(SLCO1B1):c.452A>G (p.Asn151Ser)

Gene: SLCO1B1 (solute carrier organic anion transporter family member 1B1; plus strand). Cytogenetic location: 12p12.1.
Variant type: single nucleotide variant.
Coding change: c.452A>G on transcript NM_006446.5 (MANE Select); coding-DNA position 452, A replaced by G.
Protein change: p.Asn151Ser; replaces asparagine 151 with serine.
Molecular consequence: missense variant.
Genome position (GRCh38, 1-based): chr12:21,176,868, A>G. VCF-style: chr12-21176868-A-G. GRCh37 (hg19) VCF-style: chr12-21329802-A-G.
Other names: short protein forms N151S.
Identifiers: ClinVar variation 883909 (VCV000883909.4), dbSNP rs2306282, ClinGen allele CA6476685.